The following is an entry in ClinVar:

ClinVar aggregate classification (germline): Conflicting classifications of pathogenicity. Review status: criteria provided, conflicting classifications (1 of 4 stars). 2 submissions from 2 submitters: Likely pathogenic (1); Uncertain significance (1). Last evaluated 2021-08-28.

Conditions:
Progressive sclerosing poliodystrophy (MTDPS4A). Also called: Alpers-Huttenlocher Syndrome (AHS); Alpers Syndrome; ALPERS PROGRESSIVE INFANTILE POLIODYSTROPHY; Mitochondrial DNA depletion syndrome 4A (Alpers type); ALPERS DIFFUSE DEGENERATION OF CEREBRAL GRAY MATTER WITH HEPATIC CIRRHOSIS; Alpers-Huttenlocher Syndrome. Identifiers: Orphanet 726, MedGen C0205710, MONDO:0008758, OMIM 203700.

Submissions (2):

Labcorp Genetics (formerly Invitae), Labcorp
Classification: Uncertain significance for Progressive sclerosing poliodystrophy. Last evaluated: 2021-08-28. Review status: criteria provided, single submitter. Criteria: Invitae Variant Classification Sherloc (09022015). Collection method: clinical testing. Allele origin: germline.

Laboratory of Inherited Metabolic Diseases, Research centre for medical genetics
Classification: Likely pathogenic for Progressive sclerosing poliodystrophy. Last evaluated: 2019-07-17. Review status: criteria provided, single submitter. Criteria: ACMG Guidelines, 2015. Collection method: clinical testing. Allele origin: germline. Inheritance: Autosomal recessive inheritance. Affected: yes.
Comment: found in compound heterozygous with c.1760C>T (p.P587L)

NM_002693.3(POLG):c.2591A>T (p.Asn864Ile)

Gene: POLG (DNA polymerase gamma, catalytic subunit; minus strand). Cytogenetic location: 15q26.1.
Variant type: single nucleotide variant.
Coding change: c.2591A>T on transcript NM_002693.3 (MANE Select); coding-DNA position 2591, A replaced by T.
Protein change: p.Asn864Ile; replaces asparagine 864 with isoleucine.
Molecular consequence: missense variant.
Genome position (GRCh38, 1-based): chr15:89,321,743, T>A on the plus strand (A>T on the coding strand, the complement: POLG is on the minus strand). VCF-style: chr15-89321743-T-A. GRCh37 (hg19) VCF-style: chr15-89864974-T-A.
Other names: c.2591A>T, p.Asn864Ile (NM_001126131.2); short protein forms N864I.
Identifiers: ClinVar variation 641822 (VCV000641822.6), dbSNP rs121918050, ClinGen allele CA393754168.